The following is an entry in ClinVar:

ClinVar aggregate classification (germline): Uncertain significance (1 of 4 stars; one submission).

Submission:

Labcorp Genetics (formerly Invitae), Labcorp
Classification: Uncertain significance. Last evaluated: 2022-07-08. Review status: criteria provided, single submitter. Criteria: Invitae Variant Classification Sherloc (09022015). Collection method: clinical testing. Allele origin: germline.
Comment: This variant is not present in population databases (gnomAD no frequency). This variant has not been reported in the literature in individuals affected with GRIN2D-related conditions. Algorithms developed to predict the effect of missense changes on protein structure and function are either unavailable or do not agree on the potential impact of this missense change (SIFT: "Deleterious"; PolyPhen-2: "Probably Damaging"; Align-GVGD: "Class C0"). In summary, the available evidence is currently insufficient to determine the role of this variant in disease. Therefore, it has been classified as a Variant of Uncertain Significance. This sequence change replaces methionine, which is neutral and non-polar, with arginine, which is basic and polar, at codon 766 of the GRIN2D protein (p.Met766Arg).

NM_000836.4(GRIN2D):c.2297T>G (p.Met766Arg)

Gene: GRIN2D (glutamate ionotropic receptor NMDA type subunit 2D; plus strand). Cytogenetic location: 19q13.33.
Variant type: single nucleotide variant.
Coding change: c.2297T>G on transcript NM_000836.4 (MANE Select); coding-DNA position 2297, T replaced by G.
Protein change: p.Met766Arg; replaces methionine 766 with arginine.
Molecular consequence: missense variant.
Genome position (GRCh38, 1-based): chr19:48,441,813, T>G. VCF-style: chr19-48441813-T-G. GRCh37 (hg19) VCF-style: chr19-48945070-T-G.
Other names: short protein forms M766R.
Identifiers: ClinVar variation 2001961 (VCV002001961.4), dbSNP rs2513690462, ClinGen allele CA406669420.
Genomic context (GRCh38, chr19:48,441,813, plus strand): 5'-TTCCCCCTCCCCCCAGGAAGCTGGACGCCTTCATCTACGATGCTGCAGTGCTCAATTACA[T>G]GGCCCGCAAGGACGAGGGCTGCAAGCTTGTCACCATCGGCTCCGGCAAGGTCTTCGCCAC-3'
Protein context (NP_000827.2, residues 756-776): FIYDAAVLNY[Met766Arg]ARKDEGCKLV